The following is an entry in ClinVar:

NM_153717.3(EVC):c.172C>T (p.Gln58Ter)

Gene: EVC (EvC ciliary complex subunit 1; plus strand). Cytogenetic location: 4p16.2.
Variant type: single nucleotide variant.
Coding change: c.172C>T on transcript NM_153717.3 (MANE Select); coding-DNA position 172, C replaced by T.
Protein change: p.Gln58Ter; replaces glutamine 58 with a stop codon.
Molecular consequence: nonsense.
Genome position (GRCh38, 1-based): chr4:5,711,552, C>T. VCF-style: chr4-5711552-C-T. GRCh37 (hg19) VCF-style: chr4-5713279-C-T.
Other names: c.172C>T, p.Gln58Ter (NM_001306090.2, NM_001306092.2); short protein forms Q58*.
Identifiers: ClinVar variation 372638 (VCV000372638.2), dbSNP rs1057517899, ClinGen allele CA16042563.

ClinVar aggregate classification (germline): Likely pathogenic (1 of 4 stars; one submission).

Submission:

GeneDx
Classification: Likely pathogenic. Last evaluated: 2016-12-06. Review status: criteria provided, single submitter. Criteria: GeneDx Variant Classification (06012015). Collection method: clinical testing. Allele origin: germline. Affected: yes.
Comment: The Q58X variant in the EVC gene has not been reported previously as a pathogenic variant nor as a benign variant, to our knowledge. This variant is predicted to cause loss of normal protein function either through protein truncation or nonsense-mediated mRNA decay. Data from control individuals in the NHBI Exome Sequencing Project, the Exome Aggregation Consortium (ExAC) data set, or the 1000 Genomes Project were not available to assess whether the Q58X variant may be a common benign variant in the general population. We interpret Q58X as a likely pathogenic variant; however, the possibility it may be a rare benign variant cannot be excluded.